The following is an entry in ClinVar:

NM_002907.4(RECQL):c.1540A>G (p.Lys514Glu)

Gene: RECQL (RecQ like helicase; minus strand). Cytogenetic location: 12p12.1.
Variant type: single nucleotide variant.
Coding change: c.1540A>G on transcript NM_002907.4 (MANE Select); coding-DNA position 1540, A replaced by G.
Protein change: p.Lys514Glu; replaces lysine 514 with glutamic acid.
Molecular consequence: missense variant.
Genome position (GRCh38, 1-based): chr12:21,471,555, T>C on the plus strand (A>G on the coding strand, the complement: RECQL is on the minus strand). VCF-style: chr12-21471555-T-C. GRCh37 (hg19) VCF-style: chr12-21624489-T-C.
Other names: c.1540A>G, p.Lys514Glu (NM_032941.3); short protein forms K514E.
Identifiers: ClinVar variation 1774837 (VCV001774837.2), dbSNP rs550099360, ClinGen allele CA384116194.

ClinVar aggregate classification (germline): Uncertain significance (1 of 4 stars; one submission).

Submission:

Ambry Genetics
Classification: Uncertain significance. Last evaluated: 2022-03-04. Review status: criteria provided, single submitter. Criteria: Ambry Variant Classification Scheme 2023. Collection method: clinical testing. Allele origin: germline.
Comment: The p.K514E variant (also known as c.1540A>G), located in coding exon 12 of the RECQL gene, results from an A to G substitution at nucleotide position 1540. The lysine at codon 514 is replaced by glutamic acid, an amino acid with similar properties. This amino acid position is conserved. In addition, the in silico prediction for this alteration is inconclusive. Since supporting evidence is limited at this time, the clinical significance of this alteration remains unclear.